The following is an entry in ClinVar:

ClinVar aggregate classification (germline): Uncertain significance. Review status: criteria provided, multiple submitters, no conflicts (2 of 4 stars). 4 submissions from 4 submitters: Uncertain significance (2). 2 of the submissions do not count toward it. Last evaluated 2023-06-27.

Conditions:
Cohen syndrome (COH1). Also called: PEPPER SYNDROME; Cutis verticis gyrata, retinitis pigmentosa, and sensorineural deafness. Identifiers: Orphanet 193, MedGen C0265223, MONDO:0008999, OMIM 216550.
VPS13B-related disorder. Also called: VPS13B-related condition.

Allele frequency attached by ClinVar (database versions not stated): gnomAD 0.00003; TOPMed 0.00004.
gnomAD v4.1: 5 of 1,613,894 alleles (0.00031%); highest among the groups gnomAD compares: African/African-American, 0.004%; no homozygotes.

Submissions (4):

GeneDx
Classification: Uncertain significance. Last evaluated: 2023-06-27. Review status: criteria provided, single submitter. Criteria: GeneDx Variant Classification Process June 2021. Collection method: clinical testing. Allele origin: germline. Affected: yes.
Comment: Not observed at significant frequency in large population cohorts (gnomAD); In silico analysis supports that this missense variant does not alter protein structure/function; Has not been previously published as pathogenic or benign to our knowledge

Labcorp Genetics (formerly Invitae), Labcorp
Classification: Uncertain significance for Cohen syndrome. Last evaluated: 2022-01-31. Review status: criteria provided, single submitter. Criteria: Invitae Variant Classification Sherloc (09022015). Collection method: clinical testing. Allele origin: germline.
Comment: This sequence change replaces valine, which is neutral and non-polar, with isoleucine, which is neutral and non-polar, at codon 2746 of the VPS13B protein (p.Val2746Ile). This variant is present in population databases (no rsID available, gnomAD 0.007%). This variant has not been reported in the literature in individuals affected with VPS13B-related conditions. ClinVar contains an entry for this variant (Variation ID: 1055743). Algorithms developed to predict the effect of missense changes on protein structure and function are either unavailable or do not agree on the potential impact of this missense change (SIFT: "Not Available"; PolyPhen-2: "Benign"; Align-GVGD: "Not Available"). In summary, the available evidence is currently insufficient to determine the role of this variant in disease. Therefore, it has been classified as a Variant of Uncertain Significance.

PreventionGenetics, part of Exact Sciences
Classification: Uncertain significance for VPS13B-related condition. Last evaluated: 2024-05-27. Review status: no assertion criteria provided. Collection method: clinical testing. Allele origin: germline. Not counted in ClinVar's aggregate classification.
Comment: The VPS13B c.8161G>A variant is predicted to result in the amino acid substitution p.Val2721Ile. To our knowledge, this variant has not been reported in the literature. This variant is reported in 0.0062% of alleles in individuals of African descent in gnomAD. At this time, the clinical significance of this variant is uncertain due to the absence of conclusive functional and genetic evidence.

Natera, Inc.
Classification: Uncertain significance for Cohen syndrome. Last evaluated: 2020-11-19. Review status: no assertion criteria provided. Collection method: clinical testing. Allele origin: germline. Not counted in ClinVar's aggregate classification.

NM_152564.5(VPS13B):c.8161G>A (p.Val2721Ile)

Gene: VPS13B (vacuolar protein sorting 13 homolog B; plus strand). Cytogenetic location: 8q22.2.
Variant type: single nucleotide variant.
Coding change: c.8161G>A on transcript NM_152564.5 (MANE Select); coding-DNA position 8161, G replaced by A.
Protein change: p.Val2721Ile; replaces valine 2721 with isoleucine.
Molecular consequence: missense variant.
Genome position (GRCh38, 1-based): chr8:99,817,603, G>A. VCF-style: chr8-99817603-G-A. GRCh37 (hg19) VCF-style: chr8-100829831-G-A.
Other names: c.8236G>A (NM_017890.3); c.8236G>A, p.Val2746Ile (NM_017890.5); c.8161G>A (NM_152564.4); short protein forms V2721I, V2746I.
Identifiers: ClinVar variation 1055743 (VCV001055743.9), dbSNP rs748674763, ClinGen allele CA182327227.